The following is an entry in ClinVar:

ClinVar aggregate classification (germline): Uncertain significance (1 of 4 stars; one submission).

Conditions:
Familial cancer of breast. Also called: hereditary breast carcinoma; BREAST CANCER, FAMILIAL; Hereditary breast cancer. Identifiers: Orphanet 227535, MedGen C0346153, MONDO:0016419, OMIM 114480. Disease mechanism: loss of function.

Submission:

Labcorp Genetics (formerly Invitae), Labcorp
Classification: Uncertain significance for Familial cancer of breast. Last evaluated: 2025-12-08. Review status: criteria provided, single submitter. Criteria: Invitae Variant Classification Sherloc (09022015). Collection method: clinical testing. Allele origin: germline.
Comment: This sequence change replaces proline, which is neutral and non-polar, with histidine, which is basic and polar, at codon 187 of the BARD1 protein (p.Pro187His). This variant is not present in population databases (gnomAD no frequency). This variant has not been reported in the literature in individuals affected with BARD1-related conditions. An algorithm developed to predict the effect of missense changes on protein structure and function (PolyPhen-2) suggests that this variant is likely to be disruptive. In summary, the available evidence is currently insufficient to determine the role of this variant in disease. Therefore, it has been classified as a Variant of Uncertain Significance.

NM_000465.4(BARD1):c.560C>A (p.Pro187His)

Gene: BARD1 (BRCA1 associated RING domain 1; minus strand). Cytogenetic location: 2q35.
Variant type: single nucleotide variant.
Coding change: c.560C>A on transcript NM_000465.4 (MANE Select); coding-DNA position 560, C replaced by A.
Protein change: p.Pro187His; replaces proline 187 with histidine.
Molecular consequence: missense variant. On other transcripts: non-coding transcript variant (2), intron variant (3).
Genome position (GRCh38, 1-based): chr2:214,781,314, G>T on the plus strand (C>A on the coding strand, the complement: BARD1 is on the minus strand). VCF-style: chr2-214781314-G-T. GRCh37 (hg19) VCF-style: chr2-215646038-G-T.
Other names: c.503C>A, p.Pro168His (NM_001282543.2); c.158+28098C>A (NM_001282548.2); c.215+15747C>A (NM_001282545.2); c.364+10983C>A (NM_001282549.2); short protein forms P168H, P187H.
Identifiers: ClinVar variation 4732669 (VCV004732669.1).